The following is an entry in ClinVar:

NM_000059.4(BRCA2):c.2772C>T (p.Asn924=)

Gene: BRCA2 (BRCA2 DNA repair associated; plus strand). Cytogenetic location: 13q13.1.
Variant type: single nucleotide variant.
Coding change: c.2772C>T on transcript NM_000059.4 (MANE Select); coding-DNA position 2772, C replaced by T.
Protein change: p.Asn924=; no amino-acid change (asparagine 924 retained).
Molecular consequence: synonymous variant.
Genome position (GRCh38, 1-based): chr13:32,337,127, C>T. VCF-style: chr13-32337127-C-T. GRCh37 (hg19) VCF-style: chr13-32911264-C-T.
Identifiers: ClinVar variation 231249 (VCV000231249.17), dbSNP rs876659051, ClinGen allele CA10579551.

ClinVar aggregate classification (germline): Likely benign. Review status: reviewed by expert panel (3 of 4 stars). 4 submissions from 4 submitters: Likely benign (1). 3 of the submissions do not count toward it. Last evaluated 2017-06-29.

Conditions:
Hereditary cancer-predisposing syndrome. Also called: Hereditary Cancer Syndrome; Neoplastic Syndromes, Hereditary; Tumor predisposition; Hereditary neoplastic syndrome. Identifiers: Orphanet 140162, MedGen C0027672, MeSH D009386, MONDO:0015356.
Breast-ovarian cancer, familial, susceptibility to, 2 (BROVCA2). Also called: BRCA2 Hereditary Breast and Ovarian Cancer. Identifiers: Orphanet 145, MedGen C2675520, MONDO:0012933, OMIM 612555. Disease mechanism: loss of function.
Hereditary breast ovarian cancer syndrome. Also called: Hereditary breast and/or ovarian cancer syndrome; BRCA1- and BRCA2-Associated Hereditary Breast and Ovarian Cancer; Hereditary breast and ovarian cancer syndrome (HBOC); Hereditary breast and ovarian cancer; Hereditary breast and ovarian cancer syndrome; Breast and ovarian cancer. Identifiers: Orphanet 145, MedGen C0677776, MeSH D061325, MONDO:0003582. Disease mechanism: loss of function.

Allele frequency attached by ClinVar (database versions not stated): gnomAD exomes 0.00001.
gnomAD v4.1: 5 of 1,613,790 alleles (0.00031%); highest among the groups gnomAD compares: Non-Finnish European, 0.00042%; no homozygotes.

Submissions (4):

Evidence-based Network for the Interpretation of Germline Mutant Alleles (ENIGMA)
Classification: Likely benign for Breast-ovarian cancer, familial, susceptibility to, 2. Last evaluated: 2017-06-29. Review status: reviewed by expert panel. Criteria: ENIGMA BRCA1/2 Classification Criteria (2017-06-29). Collection method: curation. Allele origin: germline.
Comment: Synonymous substitution variant, with low bioinformatic likelihood to result in a splicing aberration (Splicing prior probability 0.02).

Labcorp Genetics (formerly Invitae), Labcorp
Classification: Likely benign for Hereditary breast ovarian cancer syndrome. Last evaluated: 2025-12-29. Review status: criteria provided, single submitter. Criteria: Invitae Variant Classification Sherloc (09022015). Collection method: clinical testing. Allele origin: germline. Not counted in ClinVar's aggregate classification.

GeneDx
Classification: Likely benign. Last evaluated: 2019-01-10. Review status: criteria provided, single submitter. Criteria: GeneDx Variant Classification Process June 2021. Collection method: clinical testing. Allele origin: germline. Affected: yes. Not counted in ClinVar's aggregate classification.

Ambry Genetics
Classification: Likely benign for Hereditary cancer-predisposing syndrome. Last evaluated: 2015-04-03. Review status: criteria provided, single submitter. Criteria: Ambry Variant Classification Scheme 2023. Collection method: clinical testing. Allele origin: germline. Not counted in ClinVar's aggregate classification.